The following is an entry in ClinVar:

ClinVar aggregate classification (germline): Uncertain significance (1 of 4 stars; one submission).

Conditions:
Inborn genetic diseases. Identifiers: MedGen C0950123, MeSH D030342.

Submission:

Ambry Genetics
Classification: Uncertain significance for Inborn genetic diseases. Last evaluated: 2025-08-20. Review status: criteria provided, single submitter. Criteria: Ambry Variant Classification Scheme 2023. Collection method: clinical testing. Allele origin: germline.
Comment: The p.K390R variant (also known as c.1169A>G), located in coding exon 1 of the SAMD9L gene, results from an A to G substitution at nucleotide position 1169. The lysine at codon 390 is replaced by arginine, an amino acid with highly similar properties. This amino acid position is conserved. In addition, this alteration is predicted to be tolerated by in silico analysis. Based on the available evidence, the clinical significance of this variant remains unclear.

NM_152703.5(SAMD9L):c.1169A>G (p.Lys390Arg)

Gene: SAMD9L (sterile alpha motif domain containing 9 like; minus strand). Cytogenetic location: 7q21.2.
Variant type: single nucleotide variant.
Coding change: c.1169A>G on transcript NM_152703.5 (MANE Select); coding-DNA position 1169, A replaced by G.
Protein change: p.Lys390Arg; replaces lysine 390 with arginine.
Molecular consequence: missense variant.
Genome position (GRCh38, 1-based): chr7:93,134,803, T>C on the plus strand (A>G on the coding strand, the complement: SAMD9L is on the minus strand). VCF-style: chr7-93134803-T-C. GRCh37 (hg19) VCF-style: chr7-92764116-T-C.
Other names: c.1169A>G, p.Lys390Arg (NM_001303496.3, NM_001303497.3, NM_001303498.3 and 5 more transcripts); short protein forms K390R.
Identifiers: ClinVar variation 3437256 (VCV003437256.2).